The following is an entry in ClinVar:

ClinVar aggregate classification (germline): Uncertain significance (1 of 4 stars; one submission).

Allele frequency attached by ClinVar (database versions not stated): gnomAD exomes below 0.00001; TOPMed below 0.00001; ESP Exome Variant Server 0.00008.
gnomAD v4.1: 1 of 1,483,178 alleles (0.000067%); highest among the groups gnomAD compares: Non-Finnish European, 0.000094%; no homozygotes.

Submission:

Labcorp Genetics (formerly Invitae), Labcorp
Classification: Uncertain significance. Last evaluated: 2024-01-29. Review status: criteria provided, single submitter. Criteria: Invitae Variant Classification Sherloc (09022015). Collection method: clinical testing. Allele origin: germline.
Comment: This sequence change replaces isoleucine, which is neutral and non-polar, with phenylalanine, which is neutral and non-polar, at codon 271 of the GHR protein (p.Ile271Phe). This variant is present in population databases (rs147715843, gnomAD 0.002%). This variant has not been reported in the literature in individuals affected with GHR-related conditions. Advanced modeling of protein sequence and biophysical properties (such as structural, functional, and spatial information, amino acid conservation, physicochemical variation, residue mobility, and thermodynamic stability) performed at Invitae indicates that this missense variant is not expected to disrupt GHR protein function with a negative predictive value of 80%. In summary, the available evidence is currently insufficient to determine the role of this variant in disease. Therefore, it has been classified as a Variant of Uncertain Significance.

NM_000163.5(GHR):c.811A>T (p.Ile271Phe)

Gene: GHR (growth hormone receptor; plus strand). Cytogenetic location: 5p12.
Variant type: single nucleotide variant.
Coding change: c.811A>T on transcript NM_000163.5 (MANE Select); coding-DNA position 811, A replaced by T.
Protein change: p.Ile271Phe; replaces isoleucine 271 with phenylalanine.
Molecular consequence: missense variant.
Genome position (GRCh38, 1-based): chr5:42,713,455, A>T. VCF-style: chr5-42713455-A-T. GRCh37 (hg19) VCF-style: chr5-42713557-A-T.
Other names: c.832A>T, p.Ile278Phe (NM_001242399.2); c.811A>T, p.Ile271Phe (NM_001242400.2, NM_001242401.4, NM_001242402.2 and 5 more transcripts); c.745A>T, p.Ile249Phe (NM_001242460.2); short protein forms I278F, I249F, I271F.
Identifiers: ClinVar variation 2966127 (VCV002966127.1), dbSNP rs147715843, ClinGen allele CA117801453.